The following is an entry in ClinVar:

ClinVar aggregate classification (germline): Uncertain significance (1 of 4 stars; one submission).

Submission:

Labcorp Genetics (formerly Invitae), Labcorp
Classification: Uncertain significance. Last evaluated: 2024-10-15. Review status: criteria provided, single submitter. Criteria: Invitae Variant Classification Sherloc (09022015). Collection method: clinical testing. Allele origin: germline.
Comment: This sequence change replaces alanine, which is neutral and non-polar, with glutamic acid, which is acidic and polar, at codon 1081 of the SETBP1 protein (p.Ala1081Glu). This variant is not present in population databases (gnomAD no frequency). This variant has not been reported in the literature in individuals affected with SETBP1-related conditions. ClinVar contains an entry for this variant (Variation ID: 1719999). Invitae Evidence Modeling of protein sequence and biophysical properties (such as structural, functional, and spatial information, amino acid conservation, physicochemical variation, residue mobility, and thermodynamic stability) has been performed for this missense variant. However, the output from this modeling did not meet the statistical confidence thresholds required to predict the impact of this variant on SETBP1 protein function. In summary, the available evidence is currently insufficient to determine the role of this variant in disease. Therefore, it has been classified as a Variant of Uncertain Significance.

NM_015559.3(SETBP1):c.3242C>A (p.Ala1081Glu)

Gene: SETBP1 (SET binding protein 1; plus strand). Cytogenetic location: 18q12.3.
Variant type: single nucleotide variant.
Coding change: c.3242C>A on transcript NM_015559.3 (MANE Select); coding-DNA position 3242, C replaced by A.
Protein change: p.Ala1081Glu; replaces alanine 1081 with glutamic acid.
Molecular consequence: missense variant.
Genome position (GRCh38, 1-based): chr18:44,952,582, C>A. VCF-style: chr18-44952582-C-A. GRCh37 (hg19) VCF-style: chr18-42532547-C-A.
Other names: c.3242C>A, p.Ala1081Glu (NM_001379141.1, NM_001379142.1, NM_001410862.1); short protein forms A1081E.
Identifiers: ClinVar variation 1719999 (VCV001719999.5), dbSNP rs2511475172, ClinGen allele CA402323976.